The following is an entry in ClinVar:

ClinVar aggregate classification (germline): Uncertain significance (1 of 4 stars; one submission).

gnomAD v4.1: 27 of 93,754 alleles (0.029%); highest among the groups gnomAD compares: East Asian, 0.04%; no homozygotes.

Submission:

Greenwood Genetic Center Diagnostic Laboratories, Greenwood Genetic Center
Classification: Uncertain significance. Last evaluated: 2025-04-22. Review status: criteria provided, single submitter. Criteria: ACMG Guidelines, 2015. Collection method: clinical testing. Allele origin: germline. Affected: yes.
Comment: PM2, BP4

NM_000492.4(CFTR):c.274-2197G>A

Gene: CFTR (CF transmembrane conductance regulator; plus strand). Cytogenetic location: 7q31.2.
Variant type: single nucleotide variant.
Coding change: c.274-2197G>A on transcript NM_000492.4 (MANE Select); 2197 bases into the intron before coding-DNA position 274, G replaced by A.
Molecular consequence: intron variant.
Genome position (GRCh38, 1-based): chr7:117,528,702, G>A. VCF-style: chr7-117528702-G-A. GRCh37 (hg19) VCF-style: chr7-117168756-G-A.
Identifiers: ClinVar variation 4538380 (VCV004538380.1).
Genomic context (GRCh38, chr7:117,528,702, plus strand): 5'-CTACAATGAACTCAAACAAATTTACAAGAAAAAAACAAACAACCCCATCAAAAAGTGGGC[G>A]AAGGACATGAACAGACACTACTCAAAAGAAGACATTTATGCAGCCAAAAAACACATGAAG-3'